The following is an entry in ClinVar:

ClinVar aggregate classification (germline): Uncertain significance. Review status: criteria provided, multiple submitters, no conflicts (2 of 4 stars). 2 submissions from 2 submitters: Uncertain significance (2). Last evaluated 2025-07-01.

Conditions:
Charcot-Marie-Tooth disease type 2. Also called: Charcot-Marie-Tooth type 2. Identifiers: Orphanet 64746, MedGen C0270914, MONDO:0018993.
Inborn genetic diseases. Identifiers: MedGen C0950123, MeSH D030342.

Allele frequency attached by ClinVar (database versions not stated): gnomAD 0.00001; ESP Exome Variant Server 0.00008; TOPMed 0.00001.
gnomAD v4.1: 2 of 1,608,632 alleles (0.00012%); highest among the groups gnomAD compares: African/African-American, 0.0013%; no homozygotes.

Submissions (2):

Ambry Genetics
Classification: Uncertain significance for Inborn genetic diseases. Last evaluated: 2025-07-01. Review status: criteria provided, single submitter. Criteria: Ambry Variant Classification Scheme 2023. Collection method: clinical testing. Allele origin: germline.

Labcorp Genetics (formerly Invitae), Labcorp
Classification: Uncertain significance for Charcot-Marie-Tooth disease type 2. Last evaluated: 2022-05-06. Review status: criteria provided, single submitter. Criteria: Invitae Variant Classification Sherloc (09022015). Collection method: clinical testing. Allele origin: germline.
Comment: This sequence change replaces phenylalanine, which is neutral and non-polar, with leucine, which is neutral and non-polar, at codon 465 of the MED25 protein (p.Phe465Leu). In summary, the available evidence is currently insufficient to determine the role of this variant in disease. Therefore, it has been classified as a Variant of Uncertain Significance. Algorithms developed to predict the effect of missense changes on protein structure and function (SIFT, PolyPhen-2, Align-GVGD) all suggest that this variant is likely to be tolerated. This variant has not been reported in the literature in individuals affected with MED25-related conditions. This variant is not present in population databases (gnomAD no frequency).

NM_030973.4(MED25):c.1395C>A (p.Phe465Leu)

Gene: MED25 (mediator complex subunit 25; plus strand). Cytogenetic location: 19q13.33.
Variant type: single nucleotide variant.
Coding change: c.1395C>A on transcript NM_030973.4 (MANE Select); coding-DNA position 1395, C replaced by A.
Protein change: p.Phe465Leu; replaces phenylalanine 465 with leucine.
Molecular consequence: missense variant.
Genome position (GRCh38, 1-based): chr19:49,832,328, C>A. VCF-style: chr19-49832328-C-A. GRCh37 (hg19) VCF-style: chr19-50335585-C-A.
Other names: c.1395C>A, p.Phe465Leu (NM_001378355.1); c.1395C>A (NM_030973.3); short protein forms F465L.
Identifiers: ClinVar variation 1436799 (VCV001436799.9), dbSNP rs143046644, ClinGen allele CA309517707.